The following is an entry in ClinVar:

NM_005591.4(MRE11):c.1420G>C (p.Val474Leu)

Gene: MRE11 (MRE11 double strand break repair nuclease; minus strand). Cytogenetic location: 11q21.
Variant type: single nucleotide variant.
Coding change: c.1420G>C on transcript NM_005591.4 (MANE Select); coding-DNA position 1420, G replaced by C.
Protein change: p.Val474Leu; replaces valine 474 with leucine.
Molecular consequence: missense variant.
Genome position (GRCh38, 1-based): chr11:94,459,488, C>G on the plus strand (G>C on the coding strand, the complement: MRE11 is on the minus strand). VCF-style: chr11-94459488-C-G. GRCh37 (hg19) VCF-style: chr11-94192654-C-G.
Other names: c.1420G>C, p.Val474Leu (NM_001330347.2, NM_005590.4); short protein forms V474L.
Identifiers: ClinVar variation 2446995 (VCV002446995.3), dbSNP rs778781414, ClinGen allele CA6235080.
Genomic context (GRCh38, chr11:94,459,488, plus strand): 5'-CGAGGGCATCAATATGACGTTCTTTAAGAAATCGCTGTGTTTTTTCCAACTGGTATTTCA[C>G]TAATTCCTCAATGGCATCTTTCTCCTCCTTGTCCACAAATTCTTGTACTGCTTCACCCAT-3'
Protein context (NP_005582.1, residues 464-484): KEEKDAIEEL[Val474Leu]KYQLEKTQRF

ClinVar aggregate classification (germline): Uncertain significance (1 of 4 stars; one submission).

Conditions:
Hereditary cancer-predisposing syndrome. Also called: Neoplastic Syndromes, Hereditary; Hereditary Cancer Syndrome; Tumor predisposition; Hereditary neoplastic syndrome. Identifiers: Orphanet 140162, MedGen C0027672, MeSH D009386, MONDO:0015356.

Allele frequency attached by ClinVar (database versions not stated): ExAC 0.00001.
gnomAD v4.1: 2 of 1,614,068 alleles (0.00012%); highest among the groups gnomAD compares: Non-Finnish European, 0.00017%; no homozygotes.

Submission:

Ambry Genetics
Classification: Uncertain significance for Hereditary cancer-predisposing syndrome. Last evaluated: 2025-05-27. Review status: criteria provided, single submitter. Criteria: Ambry Variant Classification Scheme 2023. Collection method: clinical testing. Allele origin: germline.
Comment: The p.V474L variant (also known as c.1420G>C), located in coding exon 12 of the MRE11A gene, results from a G to C substitution at nucleotide position 1420. The valine at codon 474 is replaced by leucine, an amino acid with highly similar properties. This amino acid position is conserved. In addition, the in silico prediction for this alteration is inconclusive. Since supporting evidence is limited at this time, the clinical significance of this alteration remains unclear.